The following is an entry in ClinVar:

NM_020163.3(SEMA3G):c.1208A>T (p.Glu403Val)

Gene: SEMA3G (semaphorin 3G; minus strand). Cytogenetic location: 3p21.1.
Variant type: single nucleotide variant.
Coding change: c.1208A>T on transcript NM_020163.3 (MANE Select); coding-DNA position 1208, A replaced by T.
Protein change: p.Glu403Val; replaces glutamic acid 403 with valine.
Molecular consequence: missense variant.
Genome position (GRCh38, 1-based): chr3:52,440,034, T>A on the plus strand (A>T on the coding strand, the complement: SEMA3G is on the minus strand). VCF-style: chr3-52440034-T-A. GRCh37 (hg19) VCF-style: chr3-52474050-T-A.
Other names: c.1208A>T (NM_020163.2); short protein forms E403V.
Identifiers: ClinVar variation 3952099 (VCV003952099.2).

ClinVar aggregate classification (germline): Uncertain significance. Review status: criteria provided, multiple submitters, no conflicts (2 of 4 stars). 2 submissions from 2 submitters: Uncertain significance (2). Last evaluated 2026-07-17.

Conditions:
SEMA3G-related disorder. Also called: SEMA3G-related condition.

Submissions (2):

PreventionGenetics, part of Exact Sciences
Classification: Uncertain significance for SEMA3G-related condition. Last evaluated: 2026-07-17. Review status: criteria provided, single submitter. Criteria: ACMG Guidelines, 2015. Collection method: clinical testing. Allele origin: germline.
Comment: The SEMA3G c.1208A>T variant is predicted to result in the amino acid substitution p.Glu403Val. To our knowledge, this variant has not been reported in the literature. This variant is reported in 0.0065% of alleles in individuals of European (Non-Finnish) descent in gnomAD. At this time, the clinical significance of this variant is uncertain due to the absence of conclusive functional and genetic evidence.

Ambry Genetics
Classification: Uncertain significance. Last evaluated: 2025-04-10. Review status: criteria provided, single submitter. Criteria: Ambry Variant Classification Scheme 2023. Collection method: clinical testing. Allele origin: germline.